The following is an entry in ClinVar:

ClinVar aggregate classification (germline): Uncertain significance. Review status: criteria provided, multiple submitters, no conflicts (2 of 4 stars). 2 submissions from 2 submitters: Uncertain significance (2). Last evaluated 2023-03-31.

Conditions:
Fanconi anemia (FA). Also called: Fanconi's anemia. Identifiers: Orphanet 84, MedGen C0015625, MeSH D005199, MONDO:0019391.

Allele frequency attached by ClinVar (database versions not stated): gnomAD exomes 0.00001.
gnomAD v4.1: 4 of 1,614,010 alleles (0.00025%); highest among the groups gnomAD compares: East Asian, 0.0089%; no homozygotes.

Submissions (2):

GeneDx
Classification: Uncertain significance. Last evaluated: 2023-03-31. Review status: criteria provided, single submitter. Criteria: GeneDx Variant Classification Process June 2021. Collection method: clinical testing. Allele origin: germline. Affected: yes.
Comment: Not observed at significant frequency in large population cohorts (gnomAD); In silico analysis supports that this missense variant does not alter protein structure/function; Has not been previously published as pathogenic or benign to our knowledge

Labcorp Genetics (formerly Invitae), Labcorp
Classification: Uncertain significance for Fanconi anemia. Last evaluated: 2022-02-09. Review status: criteria provided, single submitter. Criteria: Invitae Variant Classification Sherloc (09022015). Collection method: clinical testing. Allele origin: germline.
Comment: In summary, the available evidence is currently insufficient to determine the role of this variant in disease. Therefore, it has been classified as a Variant of Uncertain Significance. Algorithms developed to predict the effect of missense changes on protein structure and function (SIFT, PolyPhen-2, Align-GVGD) all suggest that this variant is likely to be tolerated. This variant has not been reported in the literature in individuals affected with FANCM-related conditions. This variant is not present in population databases (gnomAD no frequency). This sequence change replaces threonine, which is neutral and polar, with serine, which is neutral and polar, at codon 1035 of the FANCM protein (p.Thr1035Ser).

NM_020937.4(FANCM):c.3103A>T (p.Thr1035Ser)

Gene: FANCM (FA complementation group M; plus strand). Cytogenetic location: 14q21.2.
Variant type: single nucleotide variant.
Coding change: c.3103A>T on transcript NM_020937.4 (MANE Select); coding-DNA position 3103, A replaced by T.
Protein change: p.Thr1035Ser; replaces threonine 1035 with serine.
Molecular consequence: missense variant.
Genome position (GRCh38, 1-based): chr14:45,175,857, A>T. VCF-style: chr14-45175857-A-T. GRCh37 (hg19) VCF-style: chr14-45645060-A-T.
Other names: c.3025A>T, p.Thr1009Ser (NM_001308133.2); short protein forms T1035S, T1009S.
Identifiers: ClinVar variation 2095535 (VCV002095535.5), dbSNP rs1594798747, ClinGen allele CA389599868.